The following is an entry in ClinVar:

ClinVar aggregate classification (germline): Uncertain significance. Review status: criteria provided, multiple submitters, no conflicts (2 of 4 stars). 2 submissions from 2 submitters: Uncertain significance (2). Last evaluated 2026-06-10.

Conditions:
CHARGE syndrome (CHARGE). Also called: Coloboma, heart anomaly, choanal atresia, retardation, genital and ear anomalies; CHARGE association; Hall-Hittner syndrome; Hittner Hirsch Kreh syndrome; CHARGE ASSOCIATION--COLOBOMA, HEART ANOMALY, CHOANAL ATRESIA, RETARDATION, GENITAL AND EAR ANOMALIES. Identifiers: Orphanet 138, MedGen C0265354, MONDO:0008965.
Inborn genetic diseases. Identifiers: MedGen C0950123, MeSH D030342.

Allele frequency attached by ClinVar (database versions not stated): ExAC 0.00001.

Submissions (2):

Ambry Genetics
Classification: Uncertain significance for Inborn genetic diseases. Last evaluated: 2026-06-10. Review status: criteria provided, single submitter. Criteria: Ambry Variant Classification Scheme 2023. Collection method: clinical testing. Allele origin: germline.

Labcorp Genetics (formerly Invitae), Labcorp
Classification: Uncertain significance for CHARGE syndrome. Last evaluated: 2022-10-13. Review status: criteria provided, single submitter. Criteria: Invitae Variant Classification Sherloc (09022015). Collection method: clinical testing. Allele origin: germline.
Comment: In summary, the available evidence is currently insufficient to determine the role of this variant in disease. Therefore, it has been classified as a Variant of Uncertain Significance. Advanced modeling of protein sequence and biophysical properties (such as structural, functional, and spatial information, amino acid conservation, physicochemical variation, residue mobility, and thermodynamic stability) performed at Invitae indicates that this missense variant is not expected to disrupt CHD7 protein function. ClinVar contains an entry for this variant (Variation ID: 1525641). This variant has not been reported in the literature in individuals affected with CHD7-related conditions. The frequency data for this variant in the population databases is considered unreliable, as metrics indicate poor data quality at this position in the gnomAD database. This sequence change replaces glutamine, which is neutral and polar, with histidine, which is basic and polar, at codon 1281 of the CHD7 protein (p.Gln1281His).

NM_017780.4(CHD7):c.3843G>T (p.Gln1281His)

Gene: CHD7 (chromodomain helicase DNA binding protein 7; plus strand). Cytogenetic location: 8q12.2.
Variant type: single nucleotide variant.
Coding change: c.3843G>T on transcript NM_017780.4 (MANE Select); coding-DNA position 3843, G replaced by T.
Protein change: p.Gln1281His; replaces glutamine 1281 with histidine.
Molecular consequence: missense variant. On other transcripts: intron variant (1).
Genome position (GRCh38, 1-based): chr8:60,836,137, G>T. VCF-style: chr8-60836137-G-T. GRCh37 (hg19) VCF-style: chr8-61748696-G-T.
Other names: c.1717-26092G>T (NM_001316690.1); c.3843G>T (NM_017780.3); short protein forms Q1281H.
Identifiers: ClinVar variation 1525641 (VCV001525641.7), dbSNP rs745423641, ClinGen allele CA4760035.